The following is an entry in ClinVar:

ClinVar aggregate classification (germline): Pathogenic. Review status: criteria provided, multiple submitters, no conflicts (2 of 4 stars). 2 submissions from 2 submitters: Pathogenic (2). Last evaluated 2025-04-30.

Conditions:
SKIN/HAIR/EYE PIGMENTATION 3, LIGHT/DARK SKIN (SHEP3). Also called: SKIN/HAIR/EYE PIGMENTATION, VARIATION IN, 3; EYE COLOR 1; EYE COLOR, GREEN/BLUE; SKIN/HAIR/EYE PIGMENTATION 3, BLUE/GREEN EYE COLOR; SKIN/HAIR/EYE PIGMENTATION 3, FRECKLING. Identifiers: MedGen C2677190, OMIM 601800.
Oculocutaneous albinism. Identifiers: Orphanet 55, MedGen C0078918, MONDO:0018910.

Allele frequency attached by ClinVar (database versions not stated): gnomAD exomes below 0.00001; ExAC 0.00001; gnomAD 0.00001.
gnomAD v4.1: 2 of 1,613,802 alleles (0.00012%); highest among the groups gnomAD compares: East Asian, 0.0045%; no homozygotes.

Submissions (2):

Women's Health and Genetics/Laboratory Corporation of America, LabCorp
Classification: Pathogenic for Oculocutaneous albinism. Last evaluated: 2025-04-30. Review status: criteria provided, single submitter. Criteria: LabCorp Variant Classification Summary - May 2015. Collection method: clinical testing. Allele origin: germline.
Comment: Variant summary: TYR c.819G>T (p.Gln273His) results in a non-conservative amino acid change in the encoded protein sequence. Five of five in-silico tools predict a damaging effect of the variant on protein function. Several computational tools predict a significant impact on normal splicing: Three predict the variant weakens a 5' donor site. One predicts the variant abolishes a 5' splicing donor site. The variant allele was found at a frequency of 8e-06 in 249182 control chromosomes. c.819G>T has been observed in multiple individuals affected with Oculocutaneous Albinism (e.g, Sun_2018, Wei_2022). To our knowledge, no experimental evidence demonstrating an impact on protein function has been reported. The following publications have been ascertained in the context of this evaluation (PMID: 29658579, 34838614). ClinVar contains an entry for this variant (Variation ID: 2679410). Based on the evidence outlined above, the variant was classified as pathogenic.

Baylor Genetics
Classification: Pathogenic for SKIN/HAIR/EYE PIGMENTATION 3, LIGHT/DARK SKIN. Last evaluated: 2023-06-08. Review status: criteria provided, single submitter. Criteria: ACMG Guidelines, 2015. Collection method: clinical testing. Allele origin: unknown.

Literature cited by the submitters: PubMed 34838614 (cited by Women's Health and Genetics/Laboratory Corporation of America, LabCorp); PubMed 29658579 (cited by Women's Health and Genetics/Laboratory Corporation of America, LabCorp).

NM_000372.5(TYR):c.819G>T (p.Gln273His)

Gene: TYR (tyrosinase; plus strand). Cytogenetic location: 11q14.3.
Variant type: single nucleotide variant.
Coding change: c.819G>T on transcript NM_000372.5 (MANE Select); coding-DNA position 819, G replaced by T.
Protein change: p.Gln273His; replaces glutamine 273 with histidine.
Molecular consequence: missense variant.
Genome position (GRCh38, 1-based): chr11:89,178,772, G>T. VCF-style: chr11-89178772-G-T. GRCh37 (hg19) VCF-style: chr11-88911940-G-T.
Other names: short protein forms Q273H.
Identifiers: ClinVar variation 2679410 (VCV002679410.3), dbSNP rs748669377, ClinGen allele CA6221198.